The following is an entry in ClinVar:

ClinVar aggregate classification (germline): Uncertain significance (1 of 4 stars; one submission).

Conditions:
Hereditary cancer-predisposing syndrome. Also called: Neoplastic Syndromes, Hereditary; Tumor predisposition; Hereditary Cancer Syndrome; Hereditary neoplastic syndrome. Identifiers: Orphanet 140162, MedGen C0027672, MeSH D009386, MONDO:0015356.

Submission:

Ambry Genetics
Classification: Uncertain significance for Hereditary cancer-predisposing syndrome. Last evaluated: 2026-02-23. Review status: criteria provided, single submitter. Criteria: Ambry Variant Classification Scheme 2023. Collection method: clinical testing. Allele origin: germline.
Comment: The p.Q731R variant (also known as c.2192A>G), located in coding exon 8 of the AXIN2 gene, results from an A to G substitution at nucleotide position 2192. The glutamine at codon 731 is replaced by arginine, an amino acid with highly similar properties. This amino acid position is conserved. In addition, this alteration is predicted to be tolerated by in silico analysis. Based on the available evidence, the clinical significance of this variant remains unclear.

NM_004655.4(AXIN2):c.2192A>G (p.Gln731Arg)

Gene: AXIN2 (axin 2; minus strand). Cytogenetic location: 17q24.1.
Variant type: single nucleotide variant.
Coding change: c.2192A>G on transcript NM_004655.4 (MANE Select); coding-DNA position 2192, A replaced by G.
Protein change: p.Gln731Arg; replaces glutamine 731 with arginine.
Molecular consequence: missense variant.
Genome position (GRCh38, 1-based): chr17:65,535,671, T>C on the plus strand (A>G on the coding strand, the complement: AXIN2 is on the minus strand). VCF-style: chr17-65535671-T-C. GRCh37 (hg19) VCF-style: chr17-63531789-T-C.
Other names: c.1997A>G, p.Gln666Arg (NM_001363813.1); short protein forms Q731R, Q666R.
Identifiers: ClinVar variation 4831422 (VCV004831422.1).